The following is an entry in ClinVar:

ClinVar aggregate classification (germline): Uncertain significance (1 of 4 stars; one submission).

Submission:

Labcorp Genetics (formerly Invitae), Labcorp
Classification: Uncertain significance. Last evaluated: 2023-12-30. Review status: criteria provided, single submitter. Criteria: Invitae Variant Classification Sherloc (09022015). Collection method: clinical testing. Allele origin: germline.
Comment: This variant, c.255_257del, results in the deletion of 1 amino acid(s) of the CYP7A1 protein (p.His86del), but otherwise preserves the integrity of the reading frame. This variant is not present in population databases (gnomAD no frequency). This variant has not been reported in the literature in individuals affected with CYP7A1-related conditions. Experimental studies and prediction algorithms are not available or were not evaluated, and the functional significance of this variant is currently unknown. In summary, the available evidence is currently insufficient to determine the role of this variant in disease. Therefore, it has been classified as a Variant of Uncertain Significance.

NM_000780.4(CYP7A1):c.255_257del (p.His86del)

Gene: CYP7A1 (cytochrome P450 family 7 subfamily A member 1; minus strand). Cytogenetic location: 8q12.1.
Variant type: Deletion.
Coding change: c.255_257del on transcript NM_000780.4 (MANE Select); coding-DNA positions 255 to 257, 3 bases deleted (CCA; older notation c.255_257delCCA).
Protein change: p.His86del; deletes histidine 86.
Molecular consequence: inframe deletion.
Genome position (GRCh38, 1-based): chr8:58,498,293-58,498,295, TGG deleted on the plus strand (CCA on the coding strand, the reverse complement: CYP7A1 is on the minus strand); deleting any 3 consecutive bases within chr8:58,498,293-58,498,296 gives the same sequence; the c. name uses the placement nearest the transcript's 3' end. VCF-style (leftmost placement, unchanged base first): chr8-58498292-ATGG-A. GRCh37 (hg19) VCF-style: chr8-59410851-ATGG-A.
Other names: short protein forms H86del.
Identifiers: ClinVar variation 2706645 (VCV002706645.3), dbSNP rs1331745301, ClinGen allele CA853654360.